The following is an entry in ClinVar:

ClinVar aggregate classification (germline): Uncertain significance. Review status: criteria provided, multiple submitters, no conflicts (2 of 4 stars). 3 submissions from 3 submitters: Uncertain significance (3). Last evaluated 2022-01-16.

Conditions:
Inborn genetic diseases. Identifiers: MedGen C0950123, MeSH D030342.

Allele frequency attached by ClinVar (database versions not stated): gnomAD exomes 0.00009; gnomAD 0.00052 and 0.00056; TOPMed 0.00061; ExAC 0.00012; 1000 Genomes Project 30x 0.00016; 1000 Genomes Project 0.00020; ESP Exome Variant Server 0.00025.
gnomAD v4.1: 129 of 1,613,826 alleles (0.008%); highest among the groups gnomAD compares: African/African-American, 0.15%; no homozygotes.

Submissions (3):

Ambry Genetics
Classification: Uncertain significance for Inborn genetic diseases. Last evaluated: 2022-01-16. Review status: criteria provided, single submitter. Criteria: Ambry Variant Classification Scheme 2023. Collection method: clinical testing. Allele origin: germline.

GeneDx
Classification: Uncertain significance. Last evaluated: 2016-06-15. Review status: criteria provided, single submitter. Criteria: GeneDx Variant Classification (06012015). Collection method: clinical testing. Allele origin: germline. Affected: yes.
Comment: The T1473I variant in the CASC5 gene has not been reported previously as a pathogenic variant nor as a benign polymorphism, to our knowledge. This variant is a non-conservative amino acid substitution of a polar Threonine with a non-polar Isoleucine at a residue that is not conserved across species. In silico analysis was inconsistent with regard to the effect this variant may have on the protein structure/function. The T1473I variant was not observed at any significant frequency in approximately 6,000 individuals of European and African American ancestry in the NHLBI Exome Sequencing Project. We interpret T1473I as a variant of unknown significance.

Genetic Services Laboratory, University of Chicago
Classification: Uncertain significance. Last evaluated: 2014-03-24. Review status: criteria provided, single submitter. Criteria: ACMG Guidelines, 2007. Collection method: clinical testing. Allele origin: germline. Inheritance: Autosomal recessive inheritance.

NM_144508.5(KNL1):c.4340C>T (p.Thr1447Ile)

Gene: KNL1 (kinetochore scaffold 1; plus strand). Cytogenetic location: 15q15.1.
Variant type: single nucleotide variant.
Coding change: c.4340C>T on transcript NM_144508.5 (MANE Select); coding-DNA position 4340, C replaced by T.
Protein change: p.Thr1447Ile; replaces threonine 1447 with isoleucine.
Molecular consequence: missense variant.
Genome position (GRCh38, 1-based): chr15:40,624,604, C>T. VCF-style: chr15-40624604-C-T. GRCh37 (hg19) VCF-style: chr15-40916802-C-T.
Other names: c.4418C>T, p.Thr1473Ile (NM_170589.5); short protein forms T1473I, T1447I.
Identifiers: ClinVar variation 128601 (VCV000128601.9), dbSNP rs200605040, ClinGen allele CA230946.